The following is an entry in ClinVar:

NM_032856.5(WDR73):c.515C>T (p.Ser172Leu)

Gene: WDR73 (WD repeat domain 73; minus strand). Cytogenetic location: 15q25.2.
Variant type: single nucleotide variant.
Coding change: c.515C>T on transcript NM_032856.5 (MANE Select); coding-DNA position 515, C replaced by T.
Protein change: p.Ser172Leu; replaces serine 172 with leucine.
Molecular consequence: missense variant. On other transcripts: non-coding transcript variant (4).
Genome position (GRCh38, 1-based): chr15:84,646,186, G>A on the plus strand (C>T on the coding strand, the complement: WDR73 is on the minus strand). VCF-style: chr15-84646186-G-A. GRCh37 (hg19) VCF-style: chr15-85189417-G-A.
Other names: short protein forms S172L.
Identifiers: ClinVar variation 2421625 (VCV002421625.6), dbSNP rs1040540196, ClinGen allele CA273622334.
Genomic context (GRCh38, chr15:84,646,186, plus strand): 5'-TTGGGCTGGGGGGTGATGCCGGCTGGAGCAGCAAGCAAGGGACAAAGTACCACGGTACCT[G>A]AGGTGTACGTGGTCTTCCGGGACTCCAGATCAACGACCTGCAGACTTCGGAGCCTCGCCC-3'
Protein context (NP_116245.2, residues 162-182): DLESRKTTYT[Ser172Leu]DVSDSEELSS

ClinVar aggregate classification (germline): Uncertain significance (1 of 4 stars; one submission).

Allele frequency attached by ClinVar (database versions not stated): TOPMed below 0.00001.

Submission:

Labcorp Genetics (formerly Invitae), Labcorp
Classification: Uncertain significance. Last evaluated: 2022-08-02. Review status: criteria provided, single submitter. Criteria: Invitae Variant Classification Sherloc (09022015). Collection method: clinical testing. Allele origin: germline.
Comment: This sequence change replaces serine, which is neutral and polar, with leucine, which is neutral and non-polar, at codon 172 of the WDR73 protein (p.Ser172Leu). Algorithms developed to predict the effect of sequence changes on RNA splicing suggest that this variant may create or strengthen a splice site. Algorithms developed to predict the effect of missense changes on protein structure and function are either unavailable or do not agree on the potential impact of this missense change (SIFT: "Tolerated"; PolyPhen-2: "Possibly Damaging"; Align-GVGD: "Class C0"). This variant has not been reported in the literature in individuals affected with WDR73-related conditions. This variant is not present in population databases (gnomAD no frequency). In summary, the available evidence is currently insufficient to determine the role of this variant in disease. Therefore, it has been classified as a Variant of Uncertain Significance.